The following is an entry in ClinVar:

ClinVar aggregate classification (germline): Uncertain significance. Review status: criteria provided, single submitter (1 of 4 stars). 2 submissions from 2 submitters: Uncertain significance (1). 1 of the submissions does not count toward it. Last evaluated 2024-04-10.

Conditions:
Retinal dystrophy. Also called: Inherited retinal dystrophy. Identifiers: Orphanet 71862, MedGen C0854723, MeSH D058499, MONDO:0019118, HP:0000556.

gnomAD v4.1: 12 of 1,614,136 alleles (0.00074%); highest among the groups gnomAD compares: African/African-American, 0.0013%; no homozygotes.

Submissions (2):

Labcorp Genetics (formerly Invitae), Labcorp
Classification: Uncertain significance. Last evaluated: 2024-04-10. Review status: criteria provided, single submitter. Criteria: Invitae Variant Classification Sherloc (09022015). Collection method: clinical testing. Allele origin: germline.
Comment: This sequence change replaces asparagine, which is neutral and polar, with serine, which is neutral and polar, at codon 525 of the HK1 protein (p.Asn525Ser). This variant is present in population databases (no rsID available, gnomAD 0.004%). This variant has not been reported in the literature in individuals affected with HK1-related conditions. Advanced modeling of protein sequence and biophysical properties (such as structural, functional, and spatial information, amino acid conservation, physicochemical variation, residue mobility, and thermodynamic stability) performed at Invitae indicates that this missense variant is not expected to disrupt HK1 protein function with a negative predictive value of 80%. In summary, the available evidence is currently insufficient to determine the role of this variant in disease. Therefore, it has been classified as a Variant of Uncertain Significance.

Institute of Human Genetics, Univ. Regensburg, Univ. Regensburg
Classification: Uncertain significance for Retinal dystrophy. Last evaluated: 2023-01-01. Review status: no assertion criteria provided. Criteria: ACMG Guidelines, 2015. Collection method: clinical testing. Allele origin: germline. Affected: yes. Not counted in ClinVar's aggregate classification.

NM_000188.3(HK1):c.1574A>G (p.Asn525Ser)

Gene: HK1 (hexokinase 1; plus strand). Cytogenetic location: 10q22.1.
Variant type: single nucleotide variant.
Coding change: c.1574A>G on transcript NM_000188.3 (MANE Select); coding-DNA position 1574, A replaced by G.
Protein change: p.Asn525Ser; replaces asparagine 525 with serine.
Molecular consequence: missense variant.
Genome position (GRCh38, 1-based): chr10:69,384,336, A>G. VCF-style: chr10-69384336-A-G. GRCh37 (hg19) VCF-style: chr10-71144092-A-G.
Other names: c.1586A>G, p.Asn529Ser (NM_001358263.1, NM_033497.3, NM_033498.3 and 1 more transcripts); c.1571A>G, p.Asn524Ser (NM_033496.3); c.1538A>G, p.Asn513Ser (NM_033500.2); c.1679A>G, p.Asn560Ser (NM_001322365.2); c.1490A>G, p.Asn497Ser (NM_001322366.1); c.1478A>G, p.Asn493Ser (NM_001322367.1); short protein forms N493S, N497S, N513S, N524S, N525S, N529S, N560S.
Identifiers: ClinVar variation 3249650 (VCV003249650.3).